The following is an entry in ClinVar:

NM_203290.4(POLR1C):c.536G>A (p.Gly179Glu)

Gene: POLR1C (RNA polymerase I and III subunit C; plus strand). Cytogenetic location: 6p21.1.
Variant type: single nucleotide variant.
Coding change: c.536G>A on transcript NM_203290.4 (MANE Select); coding-DNA position 536, G replaced by A.
Protein change: p.Gly179Glu; replaces glycine 179 with glutamic acid.
Molecular consequence: missense variant.
Genome position (GRCh38, 1-based): chr6:43,520,308, G>A. VCF-style: chr6-43520308-G-A. GRCh37 (hg19) VCF-style: chr6-43488046-G-A.
Other names: c.536G>A, p.Gly179Glu (NM_001318876.2, NM_001363658.2); short protein forms G179E.
Identifiers: ClinVar variation 1897762 (VCV001897762.2), dbSNP rs762980148, ClinGen allele CA3825482.

ClinVar aggregate classification (germline): Uncertain significance (1 of 4 stars; one submission).

Allele frequency attached by ClinVar (database versions not stated): gnomAD exomes below 0.00001; TOPMed below 0.00001; ExAC 0.00001; gnomAD 0.00001.
gnomAD v4.1: 3 of 1,612,956 alleles (0.00019%); highest among the groups gnomAD compares: Admixed American, 0.0017%; no homozygotes.

Submission:

Labcorp Genetics (formerly Invitae), Labcorp
Classification: Uncertain significance. Last evaluated: 2022-07-14. Review status: criteria provided, single submitter. Criteria: Invitae Variant Classification Sherloc (09022015). Collection method: clinical testing. Allele origin: germline.
Comment: This sequence change replaces glycine, which is neutral and non-polar, with glutamic acid, which is acidic and polar, at codon 179 of the POLR1C protein (p.Gly179Glu). This variant is present in population databases (rs762980148, gnomAD 0.003%). This variant has not been reported in the literature in individuals affected with POLR1C-related conditions. Algorithms developed to predict the effect of missense changes on protein structure and function are either unavailable or do not agree on the potential impact of this missense change (SIFT: "Not Available"; PolyPhen-2: "Probably Damaging"; Align-GVGD: "Not Available"). In summary, the available evidence is currently insufficient to determine the role of this variant in disease. Therefore, it has been classified as a Variant of Uncertain Significance.